The following is an entry in ClinVar:

NM_014875.3(KIF14):c.4475del (p.Asp1492fs)

Gene: KIF14 (kinesin family member 14; minus strand). Cytogenetic location: 1q32.1.
Variant type: Deletion.
Coding change: c.4475del on transcript NM_014875.3 (MANE Select); coding-DNA position 4475, one base deleted (A; older notation c.4475delA).
Protein change: p.Asp1492fs; shifts the reading frame from aspartic acid 1492.
Molecular consequence: frameshift variant.
Genome position (GRCh38, 1-based): chr1:200,554,560, T deleted on the plus strand (A on the coding strand, the reverse complement: KIF14 is on the minus strand). VCF-style (leftmost placement, unchanged base first): chr1-200554559-AT-A. GRCh37 (hg19) VCF-style: chr1-200523687-AT-A.
Other names: c.3002del, p.Asp1001fs (NM_001305792.1); short protein forms D1001fs, D1492fs.
Identifiers: ClinVar variation 3242257 (VCV003242257.2), dbSNP rs2527210283.

ClinVar aggregate classification (germline): Likely pathogenic. Review status: criteria provided, single submitter (1 of 4 stars). 2 submissions from 2 submitters: Likely pathogenic (1). 1 of the submissions does not count toward it. Last evaluated 2024-10-04.

Conditions:
Microcephaly 20, primary, autosomal recessive. Identifiers: MedGen C4693572, MONDO:0054761, OMIM 617914.

Submissions (2):

Dubai Health Genomic Medicine Center, Dubai Health
Classification: Likely pathogenic for Microcephaly 20, primary, autosomal recessive. Last evaluated: 2024-10-04. Review status: criteria provided, single submitter. Criteria: ACMG Guidelines, 2015. Collection method: research. Allele origin: germline. Affected: yes.
Comment: PVS1,PM2

Dr.Nikuei Genetic Center
Classification: Pathogenic for Microcephaly 20, primary, autosomal recessive. Review status: no assertion criteria provided. Collection method: clinical testing. Allele origin: germline. Inheritance: Autosomal recessive inheritance. Affected: yes. Not counted in ClinVar's aggregate classification.